The following is an entry in ClinVar:

ClinVar aggregate classification (germline): Uncertain significance. Review status: criteria provided, multiple submitters, no conflicts (2 of 4 stars). 2 submissions from 2 submitters: Uncertain significance (2). Last evaluated 2025-07-14.

Conditions:
Fraser syndrome 1 (FRASRS1). Also called: CRYPTOPHTHALMOS WITH OTHER MALFORMATIONS. Identifiers: Orphanet 2052, MedGen C4551480, MONDO:0054737, OMIM 219000.

gnomAD v4.1: 13 of 1,613,706 alleles (0.00081%); highest among the groups gnomAD compares: South Asian, 0.0055%; no homozygotes.

Submissions (2):

Labcorp Genetics (formerly Invitae), Labcorp
Classification: Uncertain significance. Last evaluated: 2025-07-14. Review status: criteria provided, single submitter. Criteria: Invitae Variant Classification Sherloc (09022015). Collection method: clinical testing. Allele origin: germline.
Comment: This sequence change replaces glutamic acid, which is acidic and polar, with lysine, which is basic and polar, at codon 1356 of the FRAS1 protein (p.Glu1356Lys). This variant is present in population databases (rs555435662, gnomAD 0.01%). This variant has not been reported in the literature in individuals affected with FRAS1-related conditions. ClinVar contains an entry for this variant (Variation ID: 3590986). Invitae Evidence Modeling of protein sequence and biophysical properties (such as structural, functional, and spatial information, amino acid conservation, physicochemical variation, residue mobility, and thermodynamic stability) indicates that this missense variant is not expected to disrupt FRAS1 protein function with a negative predictive value of 80%. In summary, the available evidence is currently insufficient to determine the role of this variant in disease. Therefore, it has been classified as a Variant of Uncertain Significance.

Fulgent Genetics
Classification: Uncertain significance for Fraser syndrome 1. Last evaluated: 2024-04-14. Review status: criteria provided, single submitter. Criteria: ACMG Guidelines, 2015. Collection method: clinical testing. Allele origin: germline.

NM_025074.7(FRAS1):c.4066G>A (p.Glu1356Lys)

Gene: FRAS1 (Fraser extracellular matrix complex subunit 1; plus strand). Cytogenetic location: 4q21.21.
Variant type: single nucleotide variant.
Coding change: c.4066G>A on transcript NM_025074.7 (MANE Select); coding-DNA position 4066, G replaced by A.
Protein change: p.Glu1356Lys; replaces glutamic acid 1356 with lysine.
Molecular consequence: missense variant.
Genome position (GRCh38, 1-based): chr4:78,400,824, G>A. VCF-style: chr4-78400824-G-A. GRCh37 (hg19) VCF-style: chr4-79321978-G-A.
Other names: c.4066G>A, p.Glu1356Lys (NM_001166133.2); short protein forms E1356K.
Identifiers: ClinVar variation 3590986 (VCV003590986.3).